The following is an entry in ClinVar:

ClinVar aggregate classification (germline): Conflicting classifications of pathogenicity. Review status: criteria provided, conflicting classifications (1 of 4 stars). 2 submissions from 2 submitters: Uncertain significance (1); Likely benign (1). Last evaluated 2026-01-12.

Submissions (2):

Labcorp Genetics (formerly Invitae), Labcorp
Classification: Uncertain significance. Last evaluated: 2026-01-12. Review status: criteria provided, single submitter. Criteria: Invitae Variant Classification Sherloc (09022015). Collection method: clinical testing. Allele origin: germline.
Comment: This variant, c.33_34insTCC, results in the insertion of 1 amino acid(s) of the HTRA1 protein (p.Leu11_Leu12insSer), but otherwise preserves the integrity of the reading frame. This variant is not present in population databases (gnomAD no frequency). This variant has been observed in individual(s) with clinical features of autosomal dominant HTRA1-related conditions (internal data). ClinVar contains an entry for this variant (Variation ID: 299043). Experimental studies and prediction algorithms are not available or were not evaluated, and the functional significance of this variant is currently unknown. In summary, the available evidence is currently insufficient to determine the role of this variant in disease. Therefore, it has been classified as a Variant of Uncertain Significance.

CeGaT Center for Human Genetics Tuebingen
Classification: Likely benign. Last evaluated: 2020-01-01. Review status: criteria provided, single submitter. Criteria: CeGaT Center For Human Genetics Tuebingen Variant Classification Criteria Version 2. Collection method: clinical testing. Allele origin: germline. Affected: yes. Observed: 1 variant allele.

NM_002775.5(HTRA1):c.33_34insTCC (p.Leu11_Leu12insSer)

Gene: HTRA1 (HtrA serine peptidase 1; plus strand). Cytogenetic location: 10q26.13.
Variant type: Insertion.
Coding change: c.33_34insTCC on transcript NM_002775.5 (MANE Select); coding-DNA positions 33 to 34, TCC inserted.
Protein change: p.Leu11_Leu12insSer.
Molecular consequence: inframe insertion.
Genome position: GRCh38 VCF-style: chr10-122461685-G-GTCC. GRCh37 (hg19) VCF-style: chr10-124221201-G-GTCC.
Identifiers: ClinVar variation 299043 (VCV000299043.50), dbSNP rs541533723, ClinGen allele CA10635087.